The following is an entry in ClinVar:

GRCh38/hg38 5p13.3-12(chr5:29299893-45899898)x3

Genes: SLC45A2 (solute carrier family 45 member 2; minus strand), SNORD72 (small nucleolar RNA, C/D box 72; minus strand), TARS1 (threonyl-tRNA synthetase 1; plus strand), SPEF2 (sperm flagellar and cilia associated 2; plus strand), SUB1 (SUB1 regulator of transcription; plus strand) and 385 more. Cytogenetic location: 5p13.3-12.
Variant type: copy number gain.
Change: copy number 3 (three copies instead of two) of chr5:29,299,893-45,899,898 (16.60 Mb, GRCh38 coordinates, 1-based), cytogenetic band 5p13.3-12.
Identifiers: ClinVar variation 2683745 (VCV002683745.2).

ClinVar aggregate classification (germline): Likely pathogenic (0 of 4 stars; one submission).

Submission:

Genesolutions, Medical Genetics Institutes, Ho Chi Minh City, Vietnam
Classification: Likely pathogenic. Review status: no assertion criteria provided. Collection method: clinical testing. Allele origin: germline. Affected: yes.
Comment: Limited evidence was reported for this CNV.